The following is an entry in ClinVar:

NM_000065.5(C6):c.1672G>C (p.Asp558His)

Gene: C6 (complement C6; minus strand). Cytogenetic location: 5p13.1.
Variant type: single nucleotide variant.
Coding change: c.1672G>C on transcript NM_000065.5 (MANE Select); coding-DNA position 1672, G replaced by C.
Protein change: p.Asp558His; replaces aspartic acid 558 with histidine.
Molecular consequence: missense variant.
Genome position (GRCh38, 1-based): chr5:41,160,154, C>G on the plus strand (G>C on the coding strand, the complement: C6 is on the minus strand). VCF-style: chr5-41160154-C-G. GRCh37 (hg19) VCF-style: chr5-41160256-C-G.
Other names: c.1672G>C, p.Asp558His (NM_001115131.4); short protein forms D558H.
Identifiers: ClinVar variation 1993873 (VCV001993873.4), dbSNP rs2478456713, ClinGen allele CA359597619.

ClinVar aggregate classification (germline): Uncertain significance (1 of 4 stars; one submission).

Submission:

Labcorp Genetics (formerly Invitae), Labcorp
Classification: Uncertain significance. Last evaluated: 2022-05-12. Review status: criteria provided, single submitter. Criteria: Invitae Variant Classification Sherloc (09022015). Collection method: clinical testing. Allele origin: germline.
Comment: This sequence change replaces aspartic acid, which is acidic and polar, with histidine, which is basic and polar, at codon 558 of the C6 protein (p.Asp558His). This variant is not present in population databases (gnomAD no frequency). In summary, the available evidence is currently insufficient to determine the role of this variant in disease. Therefore, it has been classified as a Variant of Uncertain Significance. Algorithms developed to predict the effect of missense changes on protein structure and function are either unavailable or do not agree on the potential impact of this missense change (SIFT: "Deleterious"; PolyPhen-2: "Probably Damaging"; Align-GVGD: "Class C0"). This variant has not been reported in the literature in individuals affected with C6-related conditions.